The following is an entry in ClinVar:

ClinVar aggregate classification (germline): Uncertain significance. Review status: criteria provided, multiple submitters, no conflicts (2 of 4 stars). 2 submissions from 2 submitters: Uncertain significance (2). Last evaluated 2026-01-29.

Allele frequency attached by ClinVar (database versions not stated): gnomAD 0.00001; TOPMed below 0.00001.
gnomAD v4.1: 14 of 1,548,102 alleles (0.0009%); highest among the groups gnomAD compares: Admixed American, 0.002%; no homozygotes.

Submissions (2):

Dasa
Classification: Uncertain significance. Last evaluated: 2026-01-29. Review status: criteria provided, single submitter. Criteria: DASA Assertion Criteria. Collection method: clinical testing. Allele origin: germline.
Comment: NM_013275.6(ANKRD11):c.6704C>T (p.Pro2235Leu) is a missense variant that results in the substitution of proline with leucine. This variant is rare in population databases. Computational prediction algorithms are consistent with a benign effect. The currently available literature and clinical evidence are not sufficient to establish a definitive association between this variant and the reported condition. Therefore, this variant is classified as a variant of uncertain significance.

Athena Diagnostics
Classification: Uncertain significance. Last evaluated: 2018-08-22. Review status: criteria provided, single submitter. Criteria: Athena Diagnostics Criteria. Collection method: clinical testing. Allele origin: germline.

NM_013275.6(ANKRD11):c.6704C>T (p.Pro2235Leu)

Gene: ANKRD11 (ankyrin repeat domain 11; minus strand). Cytogenetic location: 16q24.3.
Variant type: single nucleotide variant.
Coding change: c.6704C>T on transcript NM_013275.6 (MANE Select); coding-DNA position 6704, C replaced by T.
Protein change: p.Pro2235Leu; replaces proline 2235 with leucine.
Molecular consequence: missense variant.
Genome position (GRCh38, 1-based): chr16:89,279,838, G>A on the plus strand (C>T on the coding strand, the complement: ANKRD11 is on the minus strand). VCF-style: chr16-89279838-G-A. GRCh37 (hg19) VCF-style: chr16-89346246-G-A.
Other names: c.6704C>T, p.Pro2235Leu (NM_001256182.2, NM_001256183.2); short protein forms P2235L.
Identifiers: ClinVar variation 585421 (VCV000585421.3), dbSNP rs1394383095, ClinGen allele CA397150181.